The following is an entry in ClinVar:

NM_178140.4(PDZD2):c.957A>G (p.Gln319=)

Gene: PDZD2 (PDZ domain containing 2; plus strand). Cytogenetic location: 5p13.3.
Variant type: single nucleotide variant.
Coding change: c.957A>G on transcript NM_178140.4 (MANE Select); coding-DNA position 957, A replaced by G.
Protein change: p.Gln319=; no amino-acid change (glutamine 319 retained).
Molecular consequence: synonymous variant.
Genome position (GRCh38, 1-based): chr5:31,983,635, A>G. VCF-style: chr5-31983635-A-G. GRCh37 (hg19) VCF-style: chr5-31983741-A-G.
Identifiers: ClinVar variation 3035822 (VCV003035822.2), dbSNP rs192212029, ClinGen allele CA3218695.

ClinVar aggregate classification (germline): Likely benign (0 of 4 stars; one submission).

Conditions:
PDZD2-related disorder. Also called: PDZD2-related condition.

Allele frequency attached by ClinVar (database versions not stated): ESP Exome Variant Server 0.00008; 1000 Genomes Project 0.00020; TOPMed 0.00020; gnomAD 0.00022; 1000 Genomes Project 30x 0.00031; gnomAD exomes 0.00031; ExAC 0.00039.
gnomAD v4.1: 496 of 1,613,632 alleles (0.031%); highest among the groups gnomAD compares: Middle Eastern, 0.51%; 1 homozygote.

Submission:

PreventionGenetics, part of Exact Sciences
Classification: Likely benign for PDZD2-related condition. Last evaluated: 2019-02-21. Review status: no assertion criteria provided. Collection method: clinical testing. Allele origin: germline.
Comment: This variant is classified as likely benign based on ACMG/AMP sequence variant interpretation guidelines (Richards et al. 2015 PMID: 25741868, with internal and published modifications).